The following is an entry in ClinVar:

ClinVar aggregate classification (germline): Uncertain significance. Review status: criteria provided, multiple submitters, no conflicts (2 of 4 stars). 2 submissions from 2 submitters: Uncertain significance (2). Last evaluated 2025-09-01.

Conditions:
Inborn genetic diseases. Identifiers: MedGen C0950123, MeSH D030342.
Short-rib thoracic dysplasia 11 with or without polydactyly (SRTD11). Also called: SHORT-RIB THORACIC DYSPLASIA 11 WITHOUT POLYDACTYLY. Identifiers: Orphanet 474, Orphanet 93271, MedGen C3810200, MONDO:0014287, OMIM 615633.

Allele frequency attached by ClinVar (database versions not stated): gnomAD exomes 0.00001 and 0.00005; gnomAD 0.00003 and 0.00004; TOPMed 0.00003; ExAC 0.00004; ESP Exome Variant Server 0.00015.
gnomAD v4.1: 33 of 1,605,482 alleles (0.0021%); highest among the groups gnomAD compares: Middle Eastern, 0.017%; no homozygotes.

Submissions (2):

Ambry Genetics
Classification: Uncertain significance for Inborn genetic diseases. Last evaluated: 2025-09-01. Review status: criteria provided, single submitter. Criteria: Ambry Variant Classification Scheme 2023. Collection method: clinical testing. Allele origin: germline.

Labcorp Genetics (formerly Invitae), Labcorp
Classification: Uncertain significance for Short-rib thoracic dysplasia 11 with or without polydactyly. Last evaluated: 2022-07-23. Review status: criteria provided, single submitter. Criteria: Invitae Variant Classification Sherloc (09022015). Collection method: clinical testing. Allele origin: germline.
Comment: This sequence change replaces histidine, which is basic and polar, with tyrosine, which is neutral and polar, at codon 416 of the WDR34 protein (p.His416Tyr). This variant is present in population databases (rs371747861, gnomAD 0.06%). This variant has not been reported in the literature in individuals affected with WDR34-related conditions. ClinVar contains an entry for this variant (Variation ID: 1681189). Algorithms developed to predict the effect of missense changes on protein structure and function (SIFT, PolyPhen-2, Align-GVGD) all suggest that this variant is likely to be disruptive. Algorithms developed to predict the effect of sequence changes on RNA splicing suggest that this variant may create or strengthen a splice site. In summary, the available evidence is currently insufficient to determine the role of this variant in disease. Therefore, it has been classified as a Variant of Uncertain Significance.

NM_052844.4(DYNC2I2):c.1246C>T (p.His416Tyr)

Gene: DYNC2I2 (dynein 2 intermediate chain 2; minus strand). Cytogenetic location: 9q34.11.
Variant type: single nucleotide variant.
Coding change: c.1246C>T on transcript NM_052844.4 (MANE Select); coding-DNA position 1246, C replaced by T.
Protein change: p.His416Tyr; replaces histidine 416 with tyrosine.
Molecular consequence: missense variant.
Genome position (GRCh38, 1-based): chr9:128,634,352, G>A on the plus strand (C>T on the coding strand, the complement: DYNC2I2 is on the minus strand). VCF-style: chr9-128634352-G-A. GRCh37 (hg19) VCF-style: chr9-131396631-G-A.
Other names: c.1246C>T (NM_052844.3); short protein forms H416Y.
Identifiers: ClinVar variation 1681189 (VCV001681189.6), dbSNP rs371747861, ClinGen allele CA5266283.